The following is an entry in ClinVar:

ClinVar aggregate classification (germline): Uncertain significance (1 of 4 stars; one submission).

gnomAD v4.1: 2 of 1,261,740 alleles (0.00016%); highest among the groups gnomAD compares: South Asian, 0.0061%; no homozygotes.

Submission:

Labcorp Genetics (formerly Invitae), Labcorp
Classification: Uncertain significance. Last evaluated: 2023-11-28. Review status: criteria provided, single submitter. Criteria: Invitae Variant Classification Sherloc (09022015). Collection method: clinical testing. Allele origin: germline.
Comment: This sequence change replaces glycine, which is neutral and non-polar, with valine, which is neutral and non-polar, at codon 109 of the GATA5 protein (p.Gly109Val). This variant is not present in population databases (gnomAD no frequency). This variant has not been reported in the literature in individuals affected with GATA5-related conditions. Advanced modeling of protein sequence and biophysical properties (such as structural, functional, and spatial information, amino acid conservation, physicochemical variation, residue mobility, and thermodynamic stability) performed at Invitae indicates that this missense variant is not expected to disrupt GATA5 protein function with a negative predictive value of 80%. In summary, the available evidence is currently insufficient to determine the role of this variant in disease. Therefore, it has been classified as a Variant of Uncertain Significance.

NM_080473.5(GATA5):c.326G>T (p.Gly109Val)

Gene: GATA5 (GATA binding protein 5; minus strand). Cytogenetic location: 20q13.33.
Variant type: single nucleotide variant.
Coding change: c.326G>T on transcript NM_080473.5 (MANE Select); coding-DNA position 326, G replaced by T.
Protein change: p.Gly109Val; replaces glycine 109 with valine.
Molecular consequence: missense variant.
Genome position (GRCh38, 1-based): chr20:62,475,196, C>A on the plus strand (G>T on the coding strand, the complement: GATA5 is on the minus strand). VCF-style: chr20-62475196-C-A. GRCh37 (hg19) VCF-style: chr20-61050252-C-A.
Other names: short protein forms G109V.
Identifiers: ClinVar variation 2960337 (VCV002960337.3), dbSNP rs1170998497, ClinGen allele CA409556712.